The following is an entry in ClinVar:

ClinVar aggregate classification (germline): Benign/Likely benign. Review status: criteria provided, multiple submitters, no conflicts (2 of 4 stars). 2 submissions from 2 submitters: Benign (1); Likely benign (1). Last evaluated 2025-03-30.

Conditions:
IRF6-related condition. Also called: IRF6-Related Disorders; IRF6-related disorder. Identifiers: MedGen CN378148, MONDO:1040010.
Orofacial cleft 6, susceptibility to (OFC6). Also called: CLEFT LIP WITH OR WITHOUT CLEFT PALATE, NONSYNDROMIC, 6. Identifiers: MedGen C1837213, MONDO:0012141, OMIM 608864.
Van der Woude syndrome. Identifiers: Orphanet 888, MedGen C0175697, MONDO:0019508.
Popliteal pterygium syndrome (PPS). Identifiers: Orphanet 294963, MedGen C0265259, MONDO:0017435.

Allele frequency attached by ClinVar (database versions not stated): 1000 Genomes Project 30x 0.00047; 1000 Genomes Project 0.00060.
gnomAD v4.1: 73 of 1,614,094 alleles (0.0045%); highest among the groups gnomAD compares: African/African-American, 0.088%; no homozygotes.

Submissions (2):

Labcorp Genetics (formerly Invitae), Labcorp
Classification: Benign for Orofacial cleft 6, susceptibility to; Van der Woude syndrome; Popliteal pterygium syndrome. Last evaluated: 2025-03-30. Review status: criteria provided, single submitter. Criteria: Invitae Variant Classification Sherloc (09022015). Collection method: clinical testing. Allele origin: germline.

PreventionGenetics, part of Exact Sciences
Classification: Likely benign for IRF6-related condition. Last evaluated: 2024-10-28. Review status: criteria provided, single submitter. Criteria: ACMG Guidelines, 2015. Collection method: clinical testing. Allele origin: germline.
Comment: This variant is classified as likely benign based on ACMG/AMP sequence variant interpretation guidelines (Richards et al. 2015 PMID: 25741868, with internal and published modifications).

NM_006147.4(IRF6):c.390G>A (p.Gly130=)

Gene: IRF6 (interferon regulatory factor 6; minus strand). Cytogenetic location: 1q32.2.
Variant type: single nucleotide variant.
Coding change: c.390G>A on transcript NM_006147.4 (MANE Select); coding-DNA position 390, G replaced by A.
Protein change: p.Gly130=; no amino-acid change (glycine 130 retained).
Molecular consequence: synonymous variant.
Genome position (GRCh38, 1-based): chr1:209,795,408, C>T on the plus strand (G>A on the coding strand, the complement: IRF6 is on the minus strand). VCF-style: chr1-209795408-C-T. GRCh37 (hg19) VCF-style: chr1-209968753-C-T.
Other names: c.105G>A, p.Gly35= (NM_001206696.2); c.390G>A (NM_006147.3).
Identifiers: ClinVar variation 1600226 (VCV001600226.9), dbSNP rs34907424, ClinGen allele CA1377337.